The following is an entry in ClinVar:

NM_000533.5(PLP1):c.762+1G>A

Genes: PLP1 (proteolipid protein 1; plus strand), RAB9B (RAB9B, member RAS oncogene family; minus strand). Cytogenetic location: Xq22.2.
Variant type: single nucleotide variant.
Coding change: c.762+1G>A on transcript NM_000533.5 (MANE Select); the canonical splice donor site of the intron after coding-DNA position 762, G replaced by A.
Molecular consequence: splice donor variant.
Genome position (GRCh38, 1-based): chrX:103,789,399, G>A. VCF-style: chrX-103789399-G-A. GRCh37 (hg19) VCF-style: chrX-103044328-G-A.
Other names: c.762+1G>A (NM_001128834.3); c.657+1G>A (NM_199478.3); c.597+1G>A (NM_001305004.1).
Identifiers: ClinVar variation 1338982 (VCV001338982.2), dbSNP rs2147768084, ClinGen allele CA414104736.

ClinVar aggregate classification (germline): Uncertain significance (1 of 4 stars; one submission).

Conditions:
Pelizaeus-Merzbacher disease. Also called: Sudanophilic leukodystrophy; Pelizeaus-Merzbacher spectrum disorder; LEUKODYSTROPHY, HYPOMYELINATING, 1; Pelizaeus-Merzbacher spectrum disorder; Pelizaeus-Merzbacher Disease (PMD). Identifiers: Orphanet 702, MedGen C0205711, MONDO:0010714, OMIM 312080, HP:0003269.

Submission:

Neuberg Centre For Genomic Medicine, NCGM
Classification: Uncertain significance for Pelizaeus-Merzbacher disease. Review status: criteria provided, single submitter. Criteria: ACMG Guidelines, 2015. Collection method: clinical testing. Allele origin: germline. Affected: yes.
Comment: The splice donor variant c.762+1G>A in PLP1 (NM_000533.5) has not been reported previously as a pathogenic variant nor as a benign variant, to our knowledge. The c.762+1G>A variant is novel (not in any individuals) in gnomAD Exomes and is novel (not in any individuals) in 1000 Genomes.This variant is present in the penultimate intron and hence is expected to affect less that 10% of the protein. Functional studies will be required to prove it's effect.For these reasons, this variant has been classified as Uncertain Significance.